The following is an entry in ClinVar:

ClinVar aggregate classification (germline): Likely benign. Review status: criteria provided, multiple submitters, no conflicts (2 of 4 stars). 3 submissions from 3 submitters: Likely benign (2). 1 of the submissions does not count toward it. Last evaluated 2020-03-17.

Conditions:
MYLK2-related disorder. Also called: MYLK2-related condition.

Allele frequency attached by ClinVar (database versions not stated): gnomAD exomes below 0.00001; TOPMed below 0.00001.
gnomAD v4.1: 4 of 1,607,426 alleles (0.00025%); highest among the groups gnomAD compares: Non-Finnish European, 0.000085%; no homozygotes.

Submissions (3):

Ambry Genetics
Classification: Likely benign. Last evaluated: 2020-03-17. Review status: criteria provided, single submitter. Criteria: Ambry Variant Classification Scheme 2023. Collection method: clinical testing. Allele origin: germline.

GeneDx
Classification: Likely benign. Last evaluated: 2017-06-08. Review status: criteria provided, single submitter. Criteria: GeneDx Variant Classification (06012015). Collection method: clinical testing. Allele origin: germline. Affected: yes.
Comment: This variant is considered likely benign or benign based on one or more of the following criteria: it is a conservative change, it occurs at a poorly conserved position in the protein, it is predicted to be benign by multiple in silico algorithms, and/or has population frequency not consistent with disease.

PreventionGenetics, part of Exact Sciences
Classification: Likely benign for MYLK2-related condition. Last evaluated: 2022-11-22. Review status: no assertion criteria provided. Collection method: clinical testing. Allele origin: germline. Not counted in ClinVar's aggregate classification.
Comment: This variant is classified as likely benign based on ACMG/AMP sequence variant interpretation guidelines (Richards et al. 2015 PMID: 25741868, with internal and published modifications).

NM_033118.4(MYLK2):c.420G>A (p.Arg140=)

Gene: MYLK2 (myosin light chain kinase 2; plus strand). Cytogenetic location: 20q11.21.
Variant type: single nucleotide variant.
Coding change: c.420G>A on transcript NM_033118.4 (MANE Select); coding-DNA position 420, G replaced by A.
Protein change: p.Arg140=; no amino-acid change (arginine 140 retained).
Molecular consequence: synonymous variant.
Genome position (GRCh38, 1-based): chr20:31,820,493, G>A. VCF-style: chr20-31820493-G-A. GRCh37 (hg19) VCF-style: chr20-30408296-G-A.
Identifiers: ClinVar variation 517915 (VCV000517915.5), dbSNP rs1555789909, ClinGen allele CA510174834.